The following is an entry in ClinVar:

ClinVar aggregate classification (germline): Pathogenic (1 of 4 stars; one submission).

Submission:

Labcorp Genetics (formerly Invitae), Labcorp
Classification: Pathogenic. Last evaluated: 2022-06-27. Review status: criteria provided, single submitter. Criteria: Invitae Variant Classification Sherloc (09022015). Collection method: clinical testing. Allele origin: germline.
Comment: This variant has not been reported in the literature in individuals affected with RHO-related conditions. This variant is not present in population databases (gnomAD no frequency). This sequence change creates a premature translational stop signal (p.Tyr102*) in the RHO gene. It is expected to result in an absent or disrupted protein product. Loss-of-function variants in RHO are known to be pathogenic (PMID: 1303237, 21174529). Algorithms developed to predict the effect of sequence changes on RNA splicing suggest that this variant may create or strengthen a splice site. For these reasons, this variant has been classified as Pathogenic.

Literature cited by the submitters: PubMed 1303237; PubMed 21174529.

NM_000539.3(RHO):c.306C>G (p.Tyr102Ter)

Gene: RHO (rhodopsin; plus strand). Cytogenetic location: 3q22.1.
Variant type: single nucleotide variant.
Coding change: c.306C>G on transcript NM_000539.3 (MANE Select); coding-DNA position 306, C replaced by G.
Protein change: p.Tyr102Ter; replaces tyrosine 102 with a stop codon.
Molecular consequence: nonsense.
Genome position (GRCh38, 1-based): chr3:129,529,039, C>G. VCF-style: chr3-129529039-C-G. GRCh37 (hg19) VCF-style: chr3-129247882-C-G.
Other names: short protein forms Y102*.
Identifiers: ClinVar variation 1451425 (VCV001451425.6), dbSNP rs2084758866, ClinGen allele CA354496812.